The following is an entry in ClinVar:

ClinVar aggregate classification (germline): Uncertain significance. Review status: criteria provided, multiple submitters, no conflicts (2 of 4 stars). 2 submissions from 2 submitters: Uncertain significance (2). Last evaluated 2024-05-10.

Conditions:
Familial juvenile hyperuricemic nephropathy type 1 (ADTKD1). Also called: UMOD-Associated Kidney Disease; Uromodulin-associated kidney disease; Autosomal Dominant Tubulointerstitial Kidney Disease – UMOD; Glomerulocystic kidney disease with hyperuricemia and isosthenuria; Medullary cystic kidney disease 2. Identifiers: Orphanet 209886, Orphanet 34149, Orphanet 88950, MedGen C4551496, MONDO:0008073, OMIM 162000.

gnomAD v4.1: 18 of 1,613,978 alleles (0.0011%); highest among the groups gnomAD compares: Admixed American, 0.0017%; no homozygotes.

Submissions (2):

Fulgent Genetics
Classification: Uncertain significance for Familial juvenile hyperuricemic nephropathy type 1. Last evaluated: 2024-05-10. Review status: criteria provided, single submitter. Criteria: ACMG Guidelines, 2015. Collection method: clinical testing. Allele origin: germline.

Labcorp Genetics (formerly Invitae), Labcorp
Classification: Uncertain significance. Last evaluated: 2024-03-02. Review status: criteria provided, single submitter. Criteria: Invitae Variant Classification Sherloc (09022015). Collection method: clinical testing. Allele origin: germline.
Comment: This sequence change replaces threonine, which is neutral and polar, with lysine, which is basic and polar, at codon 469 of the UMOD protein (p.Thr469Lys). This variant is present in population databases (rs143583842, gnomAD 0.003%). This variant has not been reported in the literature in individuals affected with UMOD-related conditions. Advanced modeling of protein sequence and biophysical properties (such as structural, functional, and spatial information, amino acid conservation, physicochemical variation, residue mobility, and thermodynamic stability) performed at Invitae indicates that this missense variant is not expected to disrupt UMOD protein function with a negative predictive value of 95%. In summary, the available evidence is currently insufficient to determine the role of this variant in disease. Therefore, it has been classified as a Variant of Uncertain Significance.

NM_003361.4(UMOD):c.1406C>A (p.Thr469Lys)

Gene: UMOD (uromodulin; minus strand). Cytogenetic location: 16p12.3.
Variant type: single nucleotide variant.
Coding change: c.1406C>A on transcript NM_003361.4 (MANE Select); coding-DNA position 1406, C replaced by A.
Protein change: p.Thr469Lys; replaces threonine 469 with lysine.
Molecular consequence: missense variant. On other transcripts: non-coding transcript variant (1).
Genome position (GRCh38, 1-based): chr16:20,341,262, G>T on the plus strand (C>A on the coding strand, the complement: UMOD is on the minus strand). VCF-style: chr16-20341262-G-T. GRCh37 (hg19) VCF-style: chr16-20352584-G-T.
Other names: c.1406C>A, p.Thr469Lys (NM_001008389.3, NM_001378232.1, NM_001378233.1); c.1505C>A, p.Thr502Lys (NM_001278614.2); c.1547C>A, p.Thr516Lys (NM_001378234.1, NM_001378235.1); short protein forms T516K, T469K, T502K.
Identifiers: ClinVar variation 3578712 (VCV003578712.3).